The following is an entry in ClinVar:

NM_001022.4(RPS19):c.301C>T (p.Arg101Cys)

Genes: RPS19-CD79A (RPS19-CD79A readthrough; plus strand), RPS19 (ribosomal protein S19; plus strand). Cytogenetic location: 19q13.2.
Variant type: single nucleotide variant.
Coding change: c.301C>T on transcript NM_001022.4 (MANE Select); coding-DNA position 301, C replaced by T.
Protein change: p.Arg101Cys; replaces arginine 101 with cysteine.
Molecular consequence: missense variant.
Genome position (GRCh38, 1-based): chr19:41,869,159, C>T. VCF-style: chr19-41869159-C-T. GRCh37 (hg19) VCF-style: chr19-42373229-C-T.
Other names: c.301C>T, p.Arg101Cys (NM_001321483.2, NM_001321484.2); c.314C>T, p.Pro105Leu (NM_001321485.2); short protein forms P105L, R101C.
Identifiers: ClinVar variation 1798891 (VCV001798891.6), dbSNP rs782627671, ClinGen allele CA9465364.
Genomic context (GRCh38, chr19:41,869,159, plus strand): 5'-GGACGTCAGAGAAACGGCGTCATGCCCAGCCACTTCAGCCGAGGCTCCAAGAGTGTGGCC[C>T]GCCGGGTCCTCCAAGCCCTGGAGGGGCTGAAAATGGTGGAAAAGGACCAAGATGGGTAAG-3'
Protein context (NP_001013.1, residues 91-111): HFSRGSKSVA[Arg101Cys]RVLQALEGLK

ClinVar aggregate classification (germline): Conflicting classifications of pathogenicity. Review status: criteria provided, conflicting classifications (1 of 4 stars). 3 submissions from 3 submitters: Likely pathogenic (2); Uncertain significance (1). Last evaluated 2024-08-29.

Conditions:
Diamond-Blackfan anemia. Also called: Blackfan Diamond syndrome; Aregenerative anemia chronic congenital; Red cell aplasia, pure hereditary; Congenital hypoplastic anemia; Aase syndrome. Identifiers: Orphanet 124, MedGen C1260899, MeSH D029503, MONDO:0015253, HP:0004810.
Diamond-Blackfan anemia 1 (DBA1). Also called: BLACKFAN-DIAMOND SYNDROME; ANEMIA, CONGENITAL HYPOPLASTIC, OF BLACKFAN AND DIAMOND; ANEMIA, CONGENITAL ERYTHROID HYPOPLASTIC; RED CELL APLASIA, PURE, HEREDITARY; AREGENERATIVE ANEMIA, CHRONIC CONGENITAL; ERYTHROGENESIS IMPERFECTA. Identifiers: Orphanet 124, MedGen C2676137, MONDO:0007110, OMIM 105650.

Allele frequency attached by ClinVar (database versions not stated): ExAC 0.00001.

Submissions (3):

Labcorp Genetics (formerly Invitae), Labcorp
Classification: Uncertain significance for Diamond-Blackfan anemia. Last evaluated: 2024-08-29. Review status: criteria provided, single submitter. Criteria: Invitae Variant Classification Sherloc (09022015). Collection method: clinical testing. Allele origin: germline.
Comment: This sequence change replaces arginine, which is basic and polar, with cysteine, which is neutral and slightly polar, at codon 101 of the RPS19 protein (p.Arg101Cys). This variant is present in population databases (rs782627671, gnomAD 0.0009%). This missense change has been observed in individual(s) with Diamond-Blackfan anemia (PMID: 20960466). ClinVar contains an entry for this variant (Variation ID: 1798891). An algorithm developed to predict the effect of missense changes on protein structure and function (PolyPhen-2) suggests that this variant is likely to be tolerated. This variant disrupts the p.Arg101 amino acid residue in RPS19. Other variant(s) that disrupt this residue have been observed in individuals with RPS19-related conditions (PMID: 27329125), which suggests that this may be a clinically significant amino acid residue. In summary, the available evidence is currently insufficient to determine the role of this variant in disease. Therefore, it has been classified as a Variant of Uncertain Significance.

Revvity Omics, Revvity
Classification: Likely pathogenic for Diamond-Blackfan anemia 1. Last evaluated: 2023-08-14. Review status: criteria provided, single submitter. Criteria: ACMG Guidelines, 2015. Collection method: clinical testing. Allele origin: germline.

Ambry Genetics
Classification: Likely pathogenic for Diamond-Blackfan anemia. Last evaluated: 2019-07-11. Review status: criteria provided, single submitter. Criteria: Ambry Variant Classification Scheme 2023. Collection method: clinical testing. Allele origin: germline.
Comment: The p.R101C variant (also known as c.301C>T), located in coding exon 3 of the RPS19 gene, results from a C to T substitution at nucleotide position 301. The arginine at codon 101 is replaced by cysteine, an amino acid with highly dissimilar properties. This variant was identified in an individual with Diamond-Blackfan anemia (DBA) who was responsive to steroid treatment (Boria I et al. Hum. Mutat., 2010 Dec;31:1269-79). A disease-causing mutation, p.R101H, has been described in the same codon in individuals with DBA (Willig TN et al. Blood, 1999 Dec;94:4294-306). Based on data from gnomAD, the T allele has an overall frequency of approximately <0.01% (1/250442). This amino acid position is highly conserved in available vertebrate species. In addition, this alteration is predicted to be deleterious by in silico analysis.Based on the majority of available evidence to date, this variant is likely to be pathogenic.

Literature cited by the submitters: PubMed 20960466 (cited by Labcorp Genetics (formerly Invitae), Labcorp and Ambry Genetics); PubMed 27329125 (cited by Labcorp Genetics (formerly Invitae), Labcorp).